The following is an entry in ClinVar:

ClinVar aggregate classification (germline): Conflicting classifications of pathogenicity. Review status: criteria provided, conflicting classifications (1 of 4 stars). 4 submissions from 4 submitters: Uncertain significance (2); Likely benign (1). 1 of the submissions does not count toward it. Last evaluated 2025-08-28.

Conditions:
ABCB6-related disorder. Also called: ABCB6-related condition.

Allele frequency attached by ClinVar (database versions not stated): gnomAD exomes 0.00004 and 0.00008; ExAC 0.00012; gnomAD 0.00031 and 0.00033; ESP Exome Variant Server 0.00032; TOPMed 0.00043 and 0.00044.

Submissions (4):

Mayo Clinic Laboratories, Mayo Clinic
Classification: Uncertain significance. Last evaluated: 2025-08-28. Review status: criteria provided, single submitter. Criteria: ACMG Guidelines, 2015. Collection method: clinical testing. Allele origin: germline. Observed: 1 variant allele.
Comment: PM2_supporting

CeGaT Center for Human Genetics Tuebingen
Classification: Likely benign. Last evaluated: 2024-10-01. Review status: criteria provided, single submitter. Criteria: CeGaT Center For Human Genetics Tuebingen Variant Classification Criteria Version 2. Collection method: clinical testing. Allele origin: germline. Affected: yes. Observed: 1 variant allele.
Comment: ABCB6: BS1

Labcorp Genetics (formerly Invitae), Labcorp
Classification: Uncertain significance. Last evaluated: 2023-03-14. Review status: criteria provided, single submitter. Criteria: Invitae Variant Classification Sherloc (09022015). Collection method: clinical testing. Allele origin: germline.
Comment: This sequence change creates a premature translational stop signal (p.Val126Serfs*124) in the ABCB6 gene. It is expected to result in an absent or disrupted protein product. However, the current clinical and genetic evidence is not sufficient to establish whether loss-of-function variants in ABCB6 cause disease. In summary, the available evidence is currently insufficient to determine the role of this variant in disease. Therefore, it has been classified as a Variant of Uncertain Significance. This variant has not been reported in the literature in individuals affected with ABCB6-related conditions. This variant is present in population databases (rs377591749, gnomAD 0.1%), and has an allele count higher than expected for a pathogenic variant.

PreventionGenetics, part of Exact Sciences
Classification: Pathogenic for ABCB6-related condition. Last evaluated: 2023-12-21. Review status: no assertion criteria provided. Collection method: clinical testing. Allele origin: germline. Not counted in ClinVar's aggregate classification.
Comment: The ABCB6 c.376delG variant is predicted to result in a frameshift and premature protein termination (p.Val126Serfs*124). To our knowledge, this variant has not been reported in the literature. This variant is reported in 0.11% of alleles in individuals of African descent in gnomAD. Frameshift variants in ABCB6 are expected to be pathogenic. This variant is interpreted as pathogenic.

Literature cited by the submitters: PubMed 23763549 (cited by Mayo Clinic Laboratories, Mayo Clinic).

NM_005689.4(ABCB6):c.376del (p.Val126fs)

Gene: ABCB6 (ATP binding cassette subfamily B member 6 (LAN blood group); minus strand). Cytogenetic location: 2q35.
Variant type: Deletion.
Coding change: c.376del on transcript NM_005689.4 (MANE Select); coding-DNA position 376, one base deleted (G; older notation c.376delG).
Protein change: p.Val126fs; shifts the reading frame from valine 126.
Molecular consequence: frameshift variant.
Genome position (GRCh38, 1-based): chr2:219,218,298, C deleted on the plus strand (G on the coding strand, the reverse complement: ABCB6 is on the minus strand). VCF-style (leftmost placement, unchanged base first): chr2-219218297-AC-A. GRCh37 (hg19) VCF-style: chr2-220083019-AC-A.
Other names: p.Val126Serfs*124; c.376del, p.Val126fs (NM_001349828.2); short protein forms V126fs.
Identifiers: ClinVar variation 2862558 (VCV002862558.17), dbSNP rs377591749, ClinGen allele CA2119763.
Genomic context (GRCh38, chr2:219,218,297, plus strand): 5'-TGCCTGAACTTGATCCAGATGCCCATTGCCAGACGCTGCCGTGCCTGGCTCCGCTCCACG[AC>A]AAGCAGCCACAGGCCACAGGCGCCGGCCAGACTCTCCAGCACGGAGGCCAGAAGTAGATA-3'